The following is an entry in ClinVar:

NM_002778.4(PSAP):c.1064A>C (p.Glu355Ala)

Gene: PSAP (prosaposin; minus strand). Cytogenetic location: 10q22.1.
Variant type: single nucleotide variant.
Coding change: c.1064A>C on transcript NM_002778.4 (MANE Select); coding-DNA position 1064, A replaced by C.
Protein change: p.Glu355Ala; replaces glutamic acid 355 with alanine.
Molecular consequence: missense variant.
Genome position (GRCh38, 1-based): chr10:71,819,842, T>G on the plus strand (A>C on the coding strand, the complement: PSAP is on the minus strand). VCF-style: chr10-71819842-T-G. GRCh37 (hg19) VCF-style: chr10-73579599-T-G.
Other names: c.1073A>C, p.Glu358Ala (NM_001042465.3); c.1070A>C, p.Glu357Ala (NM_001042466.3); short protein forms E355A, E357A, E358A.
Identifiers: ClinVar variation 2075430 (VCV002075430.1), dbSNP rs751144199, ClinGen allele CA5547490.
Genomic context (GRCh38, chr10:71,819,842, plus strand): 5'-TCCTCCAGCAGGATGGACAGGATGGAGCTGCCGTACGTGTCCACCACCTCCTGGCACTCT[T>G]CCGACAGGGACTTCGGCAGCTTCGAGCACATTTTGTCAAAAGCGTCGAGTATTTCTTTCT-3'
Protein context (NP_002769.1, residues 345-365): MCSKLPKSLS[Glu355Ala]ECQEVVDTYG

ClinVar aggregate classification (germline): Uncertain significance (1 of 4 stars; one submission).

Conditions:
Sphingolipid activator protein 1 deficiency. Also called: Metachromatic leukodystrophy due to saposin B deficiency; METACHROMATIC LEUKODYSTROPHY DUE TO CEREBROSIDE SULFATASE ACTIVATOR DEFICIENCY; Saposin B Deficiency. Identifiers: Orphanet 512, MedGen C0268262, MONDO:0009590, OMIM 249900.

Allele frequency attached by ClinVar (database versions not stated): gnomAD exomes below 0.00001; gnomAD 0.00001; ExAC 0.00003.

Submission:

Labcorp Genetics (formerly Invitae), Labcorp
Classification: Uncertain significance for Sphingolipid activator protein 1 deficiency. Last evaluated: 2021-09-24. Review status: criteria provided, single submitter. Criteria: Invitae Variant Classification Sherloc (09022015). Collection method: clinical testing. Allele origin: germline.
Comment: This sequence change replaces glutamic acid with alanine at codon 355 of the PSAP protein (p.Glu355Ala). The glutamic acid residue is weakly conserved and there is a moderate physicochemical difference between glutamic acid and alanine. This variant is present in population databases (rs751144199, ExAC 0.05%). This variant has not been reported in the literature in individuals with PSAP-related disease. Algorithms developed to predict the effect of missense changes on protein structure and function (SIFT, PolyPhen-2, Align-GVGD) all suggest that this variant is likely to be tolerated, but these predictions have not been confirmed by published functional studies and their clinical significance is uncertain. In summary, the available evidence is currently insufficient to determine the role of this variant in disease. Therefore, it has been classified as a Variant of Uncertain Significance.